The following is an entry in ClinVar:

ClinVar aggregate classification (germline): Conflicting classifications of pathogenicity. Review status: criteria provided, conflicting classifications (1 of 4 stars). 5 submissions from 5 submitters: Uncertain significance (2); Likely benign (3). Last evaluated 2025-08-29.

Conditions:
Epilepsy, childhood absence, susceptibility to, 6. Identifiers: Orphanet 64280, MedGen C2749872, MONDO:0012763, OMIM 611942.
Hyperaldosteronism, familial, type IV (HALD4). Also called: FH IV; ALDOSTERONISM, PRIMARY, AND HYPERTENSION. Identifiers: Orphanet 642671, MedGen C4310756, MONDO:0014875, OMIM 617027.
Idiopathic generalized epilepsy. Also called: Generalised epilepsy; EIG. Identifiers: MedGen C0270850, MONDO:0005579, OMIM 600669.
Inborn genetic diseases. Identifiers: MedGen C0950123, MeSH D030342.

Allele frequency attached by ClinVar (database versions not stated): TOPMed 0.00014; gnomAD 0.00015 and 0.00017; 1000 Genomes Project 30x 0.00016; 1000 Genomes Project 0.00020.
gnomAD v4.1: 302 of 1,545,780 alleles (0.02%); highest among the groups gnomAD compares: South Asian, 0.046%; no homozygotes.

Submissions (5):

Labcorp Genetics (formerly Invitae), Labcorp
Classification: Likely benign for Idiopathic generalized epilepsy; Hyperaldosteronism, familial, type IV. Last evaluated: 2025-08-29. Review status: criteria provided, single submitter. Criteria: Invitae Variant Classification Sherloc (09022015). Collection method: clinical testing. Allele origin: germline.

Athena Diagnostics
Classification: Uncertain significance. Last evaluated: 2024-12-09. Review status: criteria provided, single submitter. Criteria: Athena Diagnostics Criteria. Collection method: clinical testing. Allele origin: unknown.
Comment: Available data are insufficient to determine the clinical significance of the variant at this time. The frequency of this variant in the general population is higher than would generally be expected for pathogenic variants in this gene. Polyphen and MutationTaster yielded discordant predictions regarding whether this amino acid change is damaging to the protein.

Blueprint Genetics
Classification: Likely benign. Last evaluated: 2024-08-07. Review status: criteria provided, single submitter. Criteria: ACMG Guidelines, 2015. Collection method: clinical testing. Allele origin: germline.

Ambry Genetics
Classification: Uncertain significance for Inborn genetic diseases. Last evaluated: 2021-07-15. Review status: criteria provided, single submitter. Criteria: Ambry Variant Classification Scheme 2023. Collection method: clinical testing. Allele origin: germline.

Fulgent Genetics
Classification: Likely benign for Epilepsy, childhood absence, susceptibility to, 6; Hyperaldosteronism, familial, type IV. Last evaluated: 2021-07-08. Review status: criteria provided, single submitter. Criteria: ACMG Guidelines, 2015. Collection method: clinical testing. Allele origin: unknown.

NM_021098.3(CACNA1H):c.6545G>A (p.Arg2182His)

Gene: CACNA1H (calcium voltage-gated channel subunit alpha1 H; plus strand). Cytogenetic location: 16p13.3.
Variant type: single nucleotide variant.
Coding change: c.6545G>A on transcript NM_021098.3 (MANE Select); coding-DNA position 6545, G replaced by A.
Protein change: p.Arg2182His; replaces arginine 2182 with histidine.
Molecular consequence: missense variant.
Genome position (GRCh38, 1-based): chr16:1,220,477, G>A. VCF-style: chr16-1220477-G-A. GRCh37 (hg19) VCF-style: chr16-1270477-G-A.
Other names: c.6527G>A, p.Arg2176His (NM_001005407.2); short protein forms R2176H, R2182H.
Identifiers: ClinVar variation 965768 (VCV000965768.15), dbSNP rs200724225, ClinGen allele CA7802408.